The following is an entry in ClinVar:

NM_005530.3(IDH3A):c.742G>A (p.Val248Ile)

Gene: IDH3A (isocitrate dehydrogenase (NAD(+)) 3 catalytic subunit alpha; plus strand). Cytogenetic location: 15q25.1.
Variant type: single nucleotide variant.
Coding change: c.742G>A on transcript NM_005530.3 (MANE Select); coding-DNA position 742, G replaced by A.
Protein change: p.Val248Ile; replaces valine 248 with isoleucine.
Molecular consequence: missense variant.
Genome position (GRCh38, 1-based): chr15:78,163,743, G>A. VCF-style: chr15-78163743-G-A. GRCh37 (hg19) VCF-style: chr15-78456085-G-A.
Other names: short protein forms V248I.
Identifiers: ClinVar variation 1346423 (VCV001346423.7), dbSNP rs2074708118, ClinGen allele CA393545506.

ClinVar aggregate classification (germline): Uncertain significance (1 of 4 stars; one submission).

Allele frequency attached by ClinVar (database versions not stated): gnomAD exomes below 0.00001.

Submission:

Labcorp Genetics (formerly Invitae), Labcorp
Classification: Uncertain significance. Last evaluated: 2023-04-24. Review status: criteria provided, single submitter. Criteria: Invitae Variant Classification Sherloc (09022015). Collection method: clinical testing. Allele origin: germline.
Comment: In summary, the available evidence is currently insufficient to determine the role of this variant in disease. Therefore, it has been classified as a Variant of Uncertain Significance. Advanced modeling of protein sequence and biophysical properties (such as structural, functional, and spatial information, amino acid conservation, physicochemical variation, residue mobility, and thermodynamic stability) performed at Invitae indicates that this missense variant is not expected to disrupt IDH3A protein function. ClinVar contains an entry for this variant (Variation ID: 1346423). This variant has not been reported in the literature in individuals affected with IDH3A-related conditions. This variant is not present in population databases (gnomAD no frequency). This sequence change replaces valine, which is neutral and non-polar, with isoleucine, which is neutral and non-polar, at codon 248 of the IDH3A protein (p.Val248Ile).